The following is an entry in ClinVar:

ClinVar aggregate classification (germline): Uncertain significance (1 of 4 stars; one submission).

Conditions:
Anauxetic dysplasia. Identifiers: Orphanet 93347, MedGen C1846796, MONDO:0011773.

Submission:

Labcorp Genetics (formerly Invitae), Labcorp
Classification: Uncertain significance for Anauxetic dysplasia. Last evaluated: 2022-05-21. Review status: criteria provided, single submitter. Criteria: Invitae Variant Classification Sherloc (09022015). Collection method: clinical testing. Allele origin: germline.
Comment: This variant occurs in the RMRP gene, which encodes an RNA molecule that does not result in a protein product. Information on the frequency of this variant in the gnomAD database is not available, as this variant may be reported differently in the database. This variant has not been reported in the literature in individuals affected with RMRP-related conditions. This variant disrupts the n.71A nucleotide in the RMRP gene. Other variant(s) that disrupt this nucleotide have been determined to be pathogenic (PMID: 10026268, 11207361, 16097009, 16838329, 17701897). This suggests that this nucleotide is clinically significant, and that variants that disrupt this position are likely to be disease-causing. In summary, the available evidence is currently insufficient to determine the role of this variant in disease. Therefore, it has been classified as a Variant of Uncertain Significance.

Literature cited by the submitters: PubMed 10026268; PubMed 11207361; PubMed 16097009; PubMed 16838329; PubMed 17701897.

NR_003051.4(RMRP):n.71_72invGA

Gene: RMRP (RNA component of mitochondrial RNA processing endoribonuclease; minus strand). Cytogenetic location: 9p13.3.
Variant type: Inversion.
Genome position: GRCh38 VCF-style: chr9-35657948-TC-GA. GRCh37 (hg19) VCF-style: chr9-35657945-TC-GA.
Identifiers: ClinVar variation 2163692 (VCV002163692.1), ClinGen allele CA2580080455.